The following is an entry in ClinVar:

NM_000141.5(FGFR2):c.1753G>C (p.Glu585Gln)

Gene: FGFR2 (fibroblast growth factor receptor 2; minus strand). Cytogenetic location: 10q26.13.
Variant type: single nucleotide variant.
Coding change: c.1753G>C on transcript NM_000141.5 (MANE Select); coding-DNA position 1753, G replaced by C.
Protein change: p.Glu585Gln; replaces glutamic acid 585 with glutamine.
Molecular consequence: missense variant. On other transcripts: non-coding transcript variant (1).
Genome position (GRCh38, 1-based): chr10:121,496,642, C>G on the plus strand (G>C on the coding strand, the complement: FGFR2 is on the minus strand). VCF-style: chr10-121496642-C-G. GRCh37 (hg19) VCF-style: chr10-123256156-C-G.
Other names: c.1756G>C, p.Glu586Gln (NM_001144913.1, NM_022970.4); c.1417G>C, p.Glu473Gln (NM_001144914.1); c.1486G>C, p.Glu496Gln (NM_001144915.2, NM_023029.3); c.1408G>C, p.Glu470Gln (NM_001144916.2); c.1405G>C, p.Glu469Gln (NM_001144917.2); c.1402G>C, p.Glu468Gln (NM_001144918.2); c.1489G>C, p.Glu497Gln (NM_001144919.2); c.1069G>C, p.Glu357Gln (NM_001320654.2); and 1 more; short protein forms E585Q, E586Q, E470Q, E496Q, E497Q, E357Q, E468Q, E469Q.
Identifiers: ClinVar variation 570239 (VCV000570239.8), dbSNP rs1564875398, ClinGen allele CA378320219.

ClinVar aggregate classification (germline): Uncertain significance (1 of 4 stars; one submission).

Conditions:
FGFR2-related craniosynostosis. Identifiers: MedGen CN231480.

Allele frequency attached by ClinVar (database versions not stated): TOPMed below 0.00001; gnomAD exomes 0.00001.
gnomAD v4.1: 8 of 1,612,540 alleles (0.0005%); highest among the groups gnomAD compares: Non-Finnish European, 0.00068%; no homozygotes.

Submission:

Labcorp Genetics (formerly Invitae), Labcorp
Classification: Uncertain significance for FGFR2-related craniosynostosis. Last evaluated: 2017-12-05. Review status: criteria provided, single submitter. Criteria: Invitae Variant Classification Sherloc (09022015). Collection method: clinical testing. Allele origin: germline.
Comment: In summary, the available evidence is currently insufficient to determine the role of this variant in disease. Therefore, it has been classified as a Variant of Uncertain Significance. This sequence change replaces glutamic acid with glutamine at codon 585 of the FGFR2 protein (p.Glu585Gln). The glutamic acid residue is highly conserved and there is a small physicochemical difference between glutamic acid and glutamine. This variant is not present in population databases (ExAC no frequency). This variant has not been reported in the literature in individuals with FGFR2-related disease. Algorithms developed to predict the effect of missense changes on protein structure and function do not agree on the potential impact of this missense change (SIFT: "Tolerated"; PolyPhen-2: "Probably Damaging"; Align-GVGD: "Class C0").